The following is an entry in ClinVar:

NM_001356.5(DDX3X):c.1616-13G>A

Gene: DDX3X (DEAD-box helicase 3 X-linked; plus strand). Cytogenetic location: Xp11.4.
Variant type: single nucleotide variant.
Coding change: c.1616-13G>A on transcript NM_001356.5 (MANE Select); 13 bases into the intron before coding-DNA position 1616, G replaced by A.
Molecular consequence: intron variant.
Genome position (GRCh38, 1-based): chrX:41,346,846, G>A. VCF-style: chrX-41346846-G-A. GRCh37 (hg19) VCF-style: chrX-41206099-G-A.
Other names: c.1616-13G>A (NM_001193416.3); c.1568-13G>A (NM_001193417.3); c.1058-13G>A (NM_001363819.1).
Identifiers: ClinVar variation 1306954 (VCV001306954.3), dbSNP rs2147359855, ClinGen allele CA2573055317.

ClinVar aggregate classification (germline): Likely pathogenic (1 of 4 stars; one submission).

Submission:

GeneDx
Classification: Likely pathogenic. Last evaluated: 2024-09-04. Review status: criteria provided, single submitter. Criteria: GeneDx Variant Classification Process June 2021. Collection method: clinical testing. Allele origin: germline. Affected: yes.
Comment: Not observed at significant frequency in large population cohorts (gnomAD); In silico analysis supports a deleterious effect on splicing; Has not been previously published as pathogenic or benign to our knowledge